The following is an entry in ClinVar:

ClinVar aggregate classification (germline): Uncertain significance (1 of 4 stars; one submission).

Submission:

Women's Health and Genetics/Laboratory Corporation of America, LabCorp
Classification: Uncertain significance. Last evaluated: 2025-10-14. Review status: criteria provided, single submitter. Criteria: LabCorp Variant Classification Summary - May 2015. Collection method: clinical testing. Allele origin: germline.
Comment: Variant summary: The variant involves the duplication of exon 62 and (a part of) exon 63 which are the last two exons of the ATM gene. A presumed nomenclature of c.(8850+1_8851-1)_(*3595_?)dup has been designated for the purposes of this classification. The exact breakpoint at the 3' end of this variant is unknown, therefore this duplication may extend downstream of the annotated region of the gene. As it duplicates the termination codon, its effect on the encoded protein is unknown. A duplication (size ~17 kb) encompassing exons 62-63 together with a large DNA segment extending downstream of the gene, was found at a frequency of 0.00041 in 123602 control chromosomes (i.e. in 51 heterozygous carriers), predominantly at a frequency of 0.0037 within the Finnish subpopulation in the gnomAD database (Structural Variants dataset 4.0). The observed variant frequency within Finnish control individuals in the gnomAD database is approximately 3.7-fold of the estimated maximal expected allele frequency for a pathogenic variant in ATM causing Breast Cancer phenotype (0.001), strongly suggesting that this variant is a benign polymorphism. In addition, the duplication of exons 62-63 was also reported in 7/7325 European American women, who were older than age 70, and have never had cancer (in the FLOSSIES database). On the other hand, a variant described as dupEx64+65 (which might refer to the duplication of the last 2 exons) has been reported in the literature in one individual affected with atypical, late-onset ataxia-telangiectasia who also carried another pathogenic ATM variant, though the phase not specified (Meneret_2014). In addition, variants described as duplication of exon 62-63, have been reported in individuals with breast- and/or ovarian cancer, but were also found in unaffected controls (Slavin_2017, Gee_2020 [no PMID], Nurmi_2022, Martin_2024, Witt_2025). In at least one of these patients a co-occurring pathogenic variant has been reported (CHEK2 c.1232G>A (p.Trp411*); Gee_2020), providing supporting evidence for a benign role. A recent study, characterizing structural variants in a large cohort (the number of individuals tested for the ATM gene was 187,228), described the duplication of ATM exons 62 to 63 as a common benign variation, however, no further details on the size or the genomic coordinates of this variant were specified (van den Akker_2021). The following publications have been ascertained in the context of this evaluation (PMID: 30042735, 23375656, 38566764, 25122203, 36551643, 28649662, 33621668, 40403485). ClinVar contains entries for similar variants (Variation ID: 2681837; 3571531; 2422237; 3063824). In conclusion, duplication variants that include a large DNA segment downstream of the gene may result in an unaffected protein product and thus are expected to be benign, however shorter tandem duplications could be also associated with disease. Based on the evidence outlined above, the variant was classified as uncertain significance.

Literature cited by the submitters: PubMed 28649662; PubMed 25122203; PubMed 30042735; PubMed 33621668; PubMed 23375656; PubMed 36551643; PubMed 38566764; PubMed 40403485.

NC_000011.9:g.(108225602_108235808)_(108239830_?)dup

Gene: ATM (ATM serine/threonine kinase; plus strand). Cytogenetic location: 11q22.3.
Variant type: Duplication.
Identifiers: ClinVar variation 3063824 (VCV003063824.3).